The following is an entry in ClinVar:

NM_001042492.3(NF1):c.503C>A (p.Ser168Ter)

Gene: NF1 (neurofibromin 1; plus strand). Cytogenetic location: 17q11.2.
Variant type: single nucleotide variant.
Coding change: c.503C>A on transcript NM_001042492.3 (MANE Select); coding-DNA position 503, C replaced by A.
Protein change: p.Ser168Ter; replaces serine 168 with a stop codon.
Molecular consequence: nonsense.
Genome position (GRCh38, 1-based): chr17:31,169,914, C>A. VCF-style: chr17-31169914-C-A. GRCh37 (hg19) VCF-style: chr17-29496932-C-A.
Other names: c.503C>A, p.Ser168Ter (NM_000267.4, NM_001128147.3); short protein forms S168*.
Identifiers: ClinVar variation 2579472 (VCV002579472.2), dbSNP rs1131691994, ClinGen allele CA398984851.

ClinVar aggregate classification (germline): Pathogenic. Review status: criteria provided, multiple submitters, no conflicts (2 of 4 stars). 2 submissions from 2 submitters: Pathogenic (2). Last evaluated 2025-03-18.

Conditions:
Neurofibromatosis, type 1 (NF1). Also called: Neurofibromatosis, type I; NEUROFIBROMATOSIS, TYPE I, SOMATIC; VON RECKLINGHAUSEN DISEASE; Peripheral type neurofibromatosis. Identifiers: Orphanet 636, MedGen C0027831, MONDO:0018975, OMIM 162200. Disease mechanism: loss of function.

Submissions (2):

Labcorp Genetics (formerly Invitae), Labcorp
Classification: Pathogenic for Neurofibromatosis, type 1. Last evaluated: 2025-03-18. Review status: criteria provided, single submitter. Criteria: Invitae Variant Classification Sherloc (09022015). Collection method: clinical testing. Allele origin: germline.
Comment: This sequence change creates a premature translational stop signal (p.Ser168*) in the NF1 gene. It is expected to result in an absent or disrupted protein product. Loss-of-function variants in NF1 are known to be pathogenic (PMID: 10712197, 23913538). This variant is not present in population databases (gnomAD no frequency). This variant has not been reported in the literature in individuals affected with NF1-related conditions. ClinVar contains an entry for this variant (Variation ID: 2579472). For these reasons, this variant has been classified as Pathogenic.

GeneDx
Classification: Pathogenic. Last evaluated: 2023-03-06. Review status: criteria provided, single submitter. Criteria: GeneDx Variant Classification Process June 2021. Collection method: clinical testing. Allele origin: germline. Affected: yes.
Comment: Nonsense variant predicted to result in protein truncation and nonsense mediated decay in a gene for which loss of function is a known mechanism of disease; Not observed at significant frequency in large population cohorts (gnomAD); Has not been previously published as pathogenic or benign to our knowledge; This variant is associated with the following publications: (PMID: 23656349)

Literature cited by the submitters: PubMed 10712197 (cited by Labcorp Genetics (formerly Invitae), Labcorp); PubMed 23913538 (cited by Labcorp Genetics (formerly Invitae), Labcorp).